The following is an entry in ClinVar:

ClinVar aggregate classification (germline): Uncertain significance (1 of 4 stars; one submission).

Conditions:
Familial adenomatous polyposis 2. Also called: MYH-associated polyposis; FAP type 2; MUTYH-associated polyposis; MUTYH-related attenuated familial adenomatous polyposis; COLORECTAL ADENOMATOUS POLYPOSIS, AUTOSOMAL RECESSIVE; ADENOMAS, MULTIPLE COLORECTAL, AUTOSOMAL RECESSIVE. Identifiers: Orphanet 220460, Orphanet 247798, MedGen C3272841, MONDO:0012041, OMIM 608456.

Submission:

Labcorp Genetics (formerly Invitae), Labcorp
Classification: Uncertain significance for Familial adenomatous polyposis 2. Last evaluated: 2023-10-19. Review status: criteria provided, single submitter. Criteria: Invitae Variant Classification Sherloc (09022015). Collection method: clinical testing. Allele origin: germline.
Comment: This sequence change affects codon 537 of the MUTYH mRNA. It is a 'silent' change, meaning that it does not change the encoded amino acid sequence of the MUTYH protein. This variant is not present in population databases (gnomAD no frequency). This variant has not been reported in the literature in individuals affected with MUTYH-related conditions. Algorithms developed to predict the effect of sequence changes on RNA splicing suggest that this variant may disrupt the consensus splice site. In summary, the available evidence is currently insufficient to determine the role of this variant in disease. Therefore, it has been classified as a Variant of Uncertain Significance.

NM_001048174.2(MUTYH):c.1527C>T (p.Ile509=)

Gene: MUTYH (mutY DNA glycosylase; minus strand). Cytogenetic location: 1p34.1.
Variant type: single nucleotide variant.
Coding change: c.1527C>T on transcript NM_001048174.2 (MANE Select); coding-DNA position 1527, C replaced by T.
Protein change: p.Ile509=; no amino-acid change (isoleucine 509 retained).
Molecular consequence: synonymous variant. On other transcripts: non-coding transcript variant (7).
Genome position (GRCh38, 1-based): chr1:45,329,345, G>A on the plus strand (C>T on the coding strand, the complement: MUTYH is on the minus strand). VCF-style: chr1-45329345-G-A. GRCh37 (hg19) VCF-style: chr1-45795017-G-A.
Other names: c.1527C>T, p.Ile509= (NM_001048171.2, NM_001048173.2, NM_001293195.2 and 6 more transcripts); c.1530C>T, p.Ile510= (NM_001048172.2, NM_001407071.1, NM_001407078.1 and 1 more transcripts); c.1611C>T, p.Ile537= (NM_001128425.2); c.1572C>T, p.Ile524= (NM_001293190.2); c.1560C>T, p.Ile520= (NM_001293191.2, NM_001407069.1, NM_001407077.1); c.1251C>T, p.Ile417= (NM_001293192.2, NM_001293196.2, NM_001407091.1); c.1182C>T, p.Ile394= (NM_001350650.2, NM_001350651.2, NM_001407082.1); c.1443C>T, p.Ile481= (NM_001407075.1); and 5 more.
Identifiers: ClinVar variation 2978159 (VCV002978159.3), dbSNP rs1570311056, ClinGen allele CA417701986.